The following is an entry in ClinVar:

ClinVar aggregate classification (germline): Pathogenic/Likely pathogenic. Review status: criteria provided, multiple submitters, no conflicts (2 of 4 stars). 7 submissions from 7 submitters: Pathogenic (3); Likely pathogenic (2). 2 of the submissions do not count toward it. Last evaluated 2025-06-16.

Conditions:
Mucopolysaccharidosis, MPS-III-A (MPS3A). Also called: SANFILIPPO SYNDROME A; SULFAMIDASE DEFICIENCY; MPS III A; MUCOPOLYSACCHARIDOSIS, TYPE IIIA, ATTENUATED; Mucopolysaccharidosis type IIIA (Sanfilippo A); MPS IIIA (Sanfilippo Syndrome Type A). Identifiers: Orphanet 581, Orphanet 79269, MedGen C0086647, MONDO:0009655, OMIM 252900.

Allele frequency attached by ClinVar (database versions not stated): gnomAD 0.00001; gnomAD exomes below 0.00001 and 0.00001; TOPMed 0.00001.

Submissions (7):

Labcorp Genetics (formerly Invitae), Labcorp
Classification: Pathogenic for Mucopolysaccharidosis, MPS-III-A. Last evaluated: 2025-06-16. Review status: criteria provided, single submitter. Criteria: Invitae Variant Classification Sherloc (09022015). Collection method: clinical testing. Allele origin: germline.
Comment: This sequence change replaces asparagine, which is neutral and polar, with serine, which is neutral and polar, at codon 389 of the SGSH protein (p.Asn389Ser). This variant is not present in population databases (gnomAD no frequency). This missense change has been observed in individuals with mucopolysaccharidosis type III (PMID: 22976768, 26787381). ClinVar contains an entry for this variant (Variation ID: 550252). Invitae Evidence Modeling of protein sequence and biophysical properties (such as structural, functional, and spatial information, amino acid conservation, physicochemical variation, residue mobility, and thermodynamic stability) indicates that this missense variant is expected to disrupt SGSH protein function with a positive predictive value of 95%. This variant disrupts the p.Asn389 amino acid residue in SGSH. Other variant(s) that disrupt this residue have been determined to be pathogenic (PMID: 11903343, 21061399). This suggests that this residue is clinically significant, and that variants that disrupt this residue are likely to be disease-causing. For these reasons, this variant has been classified as Pathogenic.

Institute of Human Genetics, Clinical Exome/Genome Diagnostics Group, University Hospital Bonn
Classification: Pathogenic for Mucopolysaccharidosis, MPS-III-A. Last evaluated: 2024-04-09. Review status: criteria provided, single submitter. Criteria: ACMG Guidelines, 2015. Collection method: clinical testing. Allele origin: paternal. Affected: yes.

Fulgent Genetics
Classification: Likely pathogenic for Mucopolysaccharidosis, MPS-III-A. Last evaluated: 2024-02-09. Review status: criteria provided, single submitter. Criteria: ACMG Guidelines, 2015. Collection method: clinical testing. Allele origin: germline.

Genome-Nilou Lab
Classification: Likely pathogenic for Mucopolysaccharidosis, MPS-III-A. Last evaluated: 2021-11-07. Review status: criteria provided, single submitter. Criteria: ACMG Guidelines, 2015. Collection method: clinical testing. Allele origin: germline. Affected: no.

Women's Health and Genetics/Laboratory Corporation of America, LabCorp
Classification: Pathogenic for Mucopolysaccharidosis, MPS-III-A. Last evaluated: 2018-08-20. Review status: criteria provided, single submitter. Criteria: LabCorp Variant Classification Summary - May 2015. Collection method: clinical testing. Allele origin: germline.
Comment: Variant summary: SGSH c.1166A>G (p.Asn389Ser) results in a conservative amino acid change in the encoded protein sequence. Three of five in-silico tools predict a damaging effect of the variant on protein function. In silico studies also predicted damaging effect for the variant on enzyme structure or activity (Sidhu 2014, Ugrinov 2015). The variant was absent in 246048 control chromosomes (gnomAD). c.1166A>G has been reported in the literature in individuals affected with Mucopolysaccharidosis Type IIIA (Sanfilippo Syndrome A) (Pollard 2013, Shapiro 2016). These data indicate that the variant is likely to be associated with disease. To our knowledge, no experimental evidence demonstrating an impact on protein function has been reported. One clinical diagnostic laboratory has submitted clinical-significance assessments for this variant to ClinVar after 2014 without evidence for independent evaluation, and classified the variant as likely pathogenic. Based on the evidence outlined above, the variant was classified as pathogenic.

Natera, Inc.
Classification: Pathogenic for Mucopolysaccharidosis type IIIA. Last evaluated: 2020-11-16. Review status: no assertion criteria provided. Collection method: clinical testing. Allele origin: germline. Not counted in ClinVar's aggregate classification.

Counsyl
Classification: Likely pathogenic for Mucopolysaccharidosis, MPS-III-A. Last evaluated: 2016-12-23. Review status: no assertion criteria provided. Collection method: clinical testing. Allele origin: unknown. Not counted in ClinVar's aggregate classification.

Literature cited by the submitters: PubMed 22976768 (cited by 3 submitters); PubMed 26787381 (cited by 3 submitters); PubMed 11903343 (cited by Labcorp Genetics (formerly Invitae), Labcorp); PubMed 21061399 (cited by Labcorp Genetics (formerly Invitae), Labcorp); PubMed 25807448 (cited by Women's Health and Genetics/Laboratory Corporation of America, LabCorp); PubMed 24816101 (cited by Women's Health and Genetics/Laboratory Corporation of America, LabCorp and Counsyl).

NM_000199.5(SGSH):c.1166A>G (p.Asn389Ser)

Gene: SGSH (N-sulfoglucosamine sulfohydrolase; minus strand). Cytogenetic location: 17q25.3.
Variant type: single nucleotide variant.
Coding change: c.1166A>G on transcript NM_000199.5 (MANE Select); coding-DNA position 1166, A replaced by G.
Protein change: p.Asn389Ser; replaces asparagine 389 with serine.
Molecular consequence: missense variant. On other transcripts: 3 prime UTR variant (2), non-coding transcript variant (1).
Genome position (GRCh38, 1-based): chr17:80,210,795, T>C on the plus strand (A>G on the coding strand, the complement: SGSH is on the minus strand). VCF-style: chr17-80210795-T-C. GRCh37 (hg19) VCF-style: chr17-78184594-T-C.
Other names: c.*253A>G (NM_001352921.3); c.*216A>G (NM_001352922.2); short protein forms N389S.
Identifiers: ClinVar variation 550252 (VCV000550252.21), dbSNP rs1555620214, ClinGen allele CA401359010.